The following is an entry in ClinVar:

NM_001194.4(HCN2):c.457G>A (p.Gly153Arg)

Gene: HCN2 (hyperpolarization activated cyclic nucleotide gated potassium and sodium channel 2; plus strand). Cytogenetic location: 19p13.3.
Variant type: single nucleotide variant.
Coding change: c.457G>A on transcript NM_001194.4 (MANE Select); coding-DNA position 457, G replaced by A.
Protein change: p.Gly153Arg; replaces glycine 153 with arginine.
Molecular consequence: missense variant.
Genome position (GRCh38, 1-based): chr19:590,402, G>A. VCF-style: chr19-590402-G-A. GRCh37 (hg19) VCF-style: chr19-590402-G-A.
Other names: short protein forms G153R.
Identifiers: ClinVar variation 3777917 (VCV003777917.7).

ClinVar aggregate classification (germline): Likely benign (1 of 4 stars; one submission).

Submission:

CeGaT Center for Human Genetics Tuebingen
Classification: Likely benign. Last evaluated: 2026-07-01. Review status: criteria provided, single submitter. Criteria: CeGaT Center For Human Genetics Tuebingen Variant Classification Criteria Version 2. Collection method: clinical testing. Allele origin: germline. Affected: yes. Observed: 5 variant alleles.
Comment: HCN2: PP3, BS2